The following is an entry in ClinVar:

NM_001868.4(CPA1):c.548G>T (p.Trp183Leu)

Gene: CPA1 (carboxypeptidase A1; plus strand). Cytogenetic location: 7q32.2.
Variant type: single nucleotide variant.
Coding change: c.548G>T on transcript NM_001868.4 (MANE Select); coding-DNA position 548, G replaced by T.
Protein change: p.Trp183Leu; replaces tryptophan 183 with leucine.
Molecular consequence: missense variant.
Genome position (GRCh38, 1-based): chr7:130,383,455, G>T. VCF-style: chr7-130383455-G-T. GRCh37 (hg19) VCF-style: chr7-130023296-G-T.
Other names: short protein forms W183L.
Identifiers: ClinVar variation 1747846 (VCV001747846.2), dbSNP rs781963872, ClinGen allele CA4484834.

ClinVar aggregate classification (germline): Uncertain significance (1 of 4 stars; one submission).

Conditions:
Hereditary pancreatitis (PCTT). Also called: Hereditary chronic pancreatitis; PRSS1-Related Hereditary Pancreatitis. Identifiers: Orphanet 676, MedGen C0238339, MONDO:0008185, OMIM 167800.

Submission:

Ambry Genetics
Classification: Uncertain significance for Hereditary pancreatitis. Last evaluated: 2023-12-11. Review status: criteria provided, single submitter. Criteria: Ambry Variant Classification Scheme 2023. Collection method: clinical testing. Allele origin: germline.
Comment: The p.W183L variant (also known as c.548G>T), located in coding exon 5 of the CPA1 gene, results from a G to T substitution at nucleotide position 548. The tryptophan at codon 183 is replaced by leucine, an amino acid with similar properties. This amino acid position is highly conserved in available vertebrate species. In addition, this alteration is predicted to be deleterious by in silico analysis. Since supporting evidence is limited at this time, the clinical significance of this alteration remains unclear.